The following is an entry in ClinVar:

NM_000110.4(DPYD):c.451A>G (p.Asn151Asp)

Gene: DPYD (dihydropyrimidine dehydrogenase; minus strand). Cytogenetic location: 1p21.3.
Variant type: single nucleotide variant.
Coding change: c.451A>G on transcript NM_000110.4 (MANE Select); coding-DNA position 451, A replaced by G.
Protein change: p.Asn151Asp; replaces asparagine 151 with aspartic acid.
Molecular consequence: missense variant.
Genome position (GRCh38, 1-based): chr1:97,721,542, T>C on the plus strand (A>G on the coding strand, the complement: DPYD is on the minus strand). VCF-style: chr1-97721542-T-C. GRCh37 (hg19) VCF-style: chr1-98187098-T-C.
Other names: c.451A>G, p.Asn151Asp (NM_001160301.1); short protein forms N151D.
Identifiers: ClinVar variation 633188 (VCV000633188.11), dbSNP rs200562975, ClinGen allele CA963693.
Genomic context (GRCh38, chr1:97,721,542, plus strand): 5'-GGGGATGTCACGTGTATATCATACATACCTCAGTAGCAAATTGCTGCAATCCACCAATAT[T>C]AATGGGTCCCTCTTCAGTGGCATATAAATTGCATCCACCTACACAAAGATCAGAGGTTGG-3'
Protein context (NP_000101.2, residues 141-161): NLYATEEGPI[Asn151Asp]IGGLQQFATE

ClinVar aggregate classification (germline): Conflicting classifications of pathogenicity. Review status: criteria provided, conflicting classifications (1 of 4 stars). 5 submissions from 5 submitters: Uncertain significance (1); Benign (1); Likely benign (3). Last evaluated 2024-10-30.

Conditions:
Dihydropyrimidine dehydrogenase deficiency (DPYDD). Also called: Hereditary Thymine-Uraciluria; DPD DEFICIENCY; DPYD DEFICIENCY. Identifiers: Orphanet 1675, MedGen C1959620, MONDO:0010130, OMIM 274270.

Allele frequency attached by ClinVar (database versions not stated): gnomAD 0.00049 and 0.00051; 1000 Genomes Project 30x 0.00062; 1000 Genomes Project 0.00080; TOPMed 0.00107; ExAC 0.00112; gnomAD exomes 0.00174.
gnomAD v4.1: 709 of 1,611,550 alleles (0.044%); highest among the groups gnomAD compares: Admixed American, 1%; 5 homozygotes.

Submissions (5):

Blueprint Genetics
Classification: Likely benign. Last evaluated: 2024-10-30. Review status: criteria provided, single submitter. Criteria: ACMG Guidelines, 2015. Collection method: clinical testing. Allele origin: germline.

Labcorp Genetics (formerly Invitae), Labcorp
Classification: Benign. Last evaluated: 2019-12-31. Review status: criteria provided, single submitter. Criteria: Invitae Variant Classification Sherloc (09022015). Collection method: clinical testing. Allele origin: germline.

Women's Health and Genetics/Laboratory Corporation of America, LabCorp
Classification: Likely benign. Last evaluated: 2018-10-08. Review status: criteria provided, single submitter. Criteria: LabCorp Variant Classification Summary - May 2015. Collection method: clinical testing. Allele origin: germline.
Comment: Variant summary: DPYD c.451A>G (p.Asn151Asp) results in a conservative amino acid change in the encoded protein sequence. Four of five in-silico tools predict a damaging effect of the variant on protein function. The variant allele was found at a frequency of 0.0016 in 276210 control chromosomes, predominantly within the Latino subpopulation at a frequency of 0.012 in the gnomAD database, including 2 homozygotes. The observed variant frequency within Latino control individuals in the gnomAD database is approximately 4.8-fold over the estimated maximal expected allele frequency for a pathogenic variant in DPYD causing Dihydropyrimidine Dehydrogenase Deficiency phenotype (0.0025), strongly suggesting that the variant is a benign polymorphism found primarily in populations of Latino origin. c.451A>G has been reported in the literature, however these reports do not provide unequivocal conclusions about association of the variant with Dihydropyrimidine Dehydrogenase Deficiency. At least one publication reports experimental evidence evaluating an impact on protein function, but does not allow convincing conclusions about the variant effect. No clinical diagnostic laboratories have submitted clinical-significance assessments for this variant to ClinVar after 2014. Based on the evidence outlined above, the variant was classified as likely benign.

Athena Diagnostics
Classification: Likely benign. Last evaluated: 2018-10-02. Review status: criteria provided, single submitter. Criteria: Athena Diagnostics Criteria. Collection method: clinical testing. Allele origin: germline.

Illumina Laboratory Services, Illumina
Classification: Uncertain significance for Dihydropyrimidine dehydrogenase deficiency. Last evaluated: 2017-08-30. Review status: criteria provided, single submitter. Criteria: ICSL Variant Classification Criteria 13 December 2019. Collection method: clinical testing. Allele origin: germline.
Comment: This variant was observed as part of a predisposition screen in an ostensibly healthy population. A literature search was performed for the gene, cDNA change, and amino acid change (where applicable). Publications were found based on this search. However, the evidence from the literature, in combination with allele frequency data from public databases where available, was not sufficient to rule this variant in or out of causing disease. Therefore, this variant is classified as a variant of unknown significance.

Literature cited by the submitters: PubMed 17828463 (cited by 3 submitters); PubMed 24943064 (cited by Women's Health and Genetics/Laboratory Corporation of America, LabCorp and Illumina Laboratory Services, Illumina); PubMed 23960437 (cited by Athena Diagnostics and Illumina Laboratory Services, Illumina); PubMed 29769267 (cited by Athena Diagnostics); PubMed 24648345 (cited by Athena Diagnostics).